The following is an entry in ClinVar:

ClinVar aggregate classification (germline): Uncertain significance (1 of 4 stars; one submission).

Submission:

Labcorp Genetics (formerly Invitae), Labcorp
Classification: Uncertain significance. Last evaluated: 2024-01-22. Review status: criteria provided, single submitter. Criteria: Invitae Variant Classification Sherloc (09022015). Collection method: clinical testing. Allele origin: germline.
Comment: This sequence change replaces proline, which is neutral and non-polar, with serine, which is neutral and polar, at codon 610 of the SETD5 protein (p.Pro610Ser). This variant is not present in population databases (gnomAD no frequency). This variant has not been reported in the literature in individuals affected with SETD5-related conditions. Advanced modeling of protein sequence and biophysical properties (such as structural, functional, and spatial information, amino acid conservation, physicochemical variation, residue mobility, and thermodynamic stability) performed at Invitae indicates that this missense variant is not expected to disrupt SETD5 protein function with a negative predictive value of 80%. In summary, the available evidence is currently insufficient to determine the role of this variant in disease. Therefore, it has been classified as a Variant of Uncertain Significance.

NM_001080517.3(SETD5):c.1828C>T (p.Pro610Ser)

Gene: SETD5 (SET domain containing 5; plus strand). Cytogenetic location: 3p25.3.
Variant type: single nucleotide variant.
Coding change: c.1828C>T on transcript NM_001080517.3 (MANE Select); coding-DNA position 1828, C replaced by T.
Protein change: p.Pro610Ser; replaces proline 610 with serine.
Molecular consequence: missense variant.
Genome position (GRCh38, 1-based): chr3:9,447,731, C>T. VCF-style: chr3-9447731-C-T. GRCh37 (hg19) VCF-style: chr3-9489415-C-T.
Other names: c.1534C>T, p.Pro512Ser (NM_001292043.2, NM_001349451.2); short protein forms P610S, P512S.
Identifiers: ClinVar variation 2710803 (VCV002710803.3), dbSNP rs2472965509, ClinGen allele CA351697029.